The following is an entry in ClinVar:

NM_000020.3(ACVRL1):c.1136A>T (p.Glu379Val)

Gene: ACVRL1 (activin A receptor like type 1; plus strand). Cytogenetic location: 12q13.13.
Variant type: single nucleotide variant.
Coding change: c.1136A>T on transcript NM_000020.3 (MANE Select); coding-DNA position 1136, A replaced by T.
Protein change: p.Glu379Val; replaces glutamic acid 379 with valine.
Molecular consequence: missense variant. On other transcripts: intron variant (1).
Genome position (GRCh38, 1-based): chr12:51,916,123, A>T. VCF-style: chr12-51916123-A-T. GRCh37 (hg19) VCF-style: chr12-52309907-A-T.
Other names: c.1136A>T, p.Glu379Val (NM_001077401.2, NM_001406487.1, NM_001406488.1 and 1 more transcripts); c.824A>T, p.Glu275Val (NM_001406490.1, NM_001406491.1, NM_001406492.1 and 1 more transcripts); c.572A>T, p.Glu191Val (NM_001406495.1); c.736+623A>T (NM_001406494.1); short protein forms E191V, E275V, E379V.
Identifiers: ClinVar variation 2696146 (VCV002696146.3), dbSNP rs2540166517, ClinGen allele CA384902503.

ClinVar aggregate classification (germline): Likely pathogenic (1 of 4 stars; one submission).

Conditions:
Telangiectasia, hereditary hemorrhagic, type 2 (HHT2). Also called: Telangiectasia, hereditary hemorrhagic, type II; ACVRL1-Related Hereditary Hemorrhagic Telangiectasia. Identifiers: Orphanet 774, MedGen C1838163, MONDO:0010880, OMIM 600376. Disease mechanism: loss of function.

Submission:

Labcorp Genetics (formerly Invitae), Labcorp
Classification: Likely pathogenic for Telangiectasia, hereditary hemorrhagic, type 2. Last evaluated: 2024-01-17. Review status: criteria provided, single submitter. Criteria: Invitae Variant Classification Sherloc (09022015). Collection method: clinical testing. Allele origin: germline.
Comment: This sequence change replaces glutamic acid, which is acidic and polar, with valine, which is neutral and non-polar, at codon 379 of the ACVRL1 protein (p.Glu379Val). This variant is not present in population databases (gnomAD no frequency). This variant has not been reported in the literature in individuals affected with ACVRL1-related conditions. Advanced modeling of protein sequence and biophysical properties (such as structural, functional, and spatial information, amino acid conservation, physicochemical variation, residue mobility, and thermodynamic stability) performed at Invitae indicates that this missense variant is expected to disrupt ACVRL1 protein function with a positive predictive value of 95%. This variant disrupts the p.Glu379 amino acid residue in ACVRL1. Other variant(s) that disrupt this residue have been determined to be pathogenic (PMID: 15024723, 15712270, 18498373, 22991266, 26176610). This suggests that this residue is clinically significant, and that variants that disrupt this residue are likely to be disease-causing. In summary, the currently available evidence indicates that the variant is pathogenic, but additional data are needed to prove that conclusively. Therefore, this variant has been classified as Likely Pathogenic.

Literature cited by the submitters: PubMed 15024723; PubMed 15712270; PubMed 18498373; PubMed 22991266; PubMed 26176610.